The following is an entry in ClinVar:

NM_001365902.3(NFIX):c.622+4A>G

Gene: NFIX (nuclear factor I X; plus strand). Cytogenetic location: 19p13.13.
Variant type: single nucleotide variant.
Coding change: c.622+4A>G on transcript NM_001365902.3 (MANE Select); 4 bases into the intron after coding-DNA position 622, A replaced by G.
Molecular consequence: intron variant.
Genome position (GRCh38, 1-based): chr19:13,073,113, A>G. VCF-style: chr19-13073113-A-G. GRCh37 (hg19) VCF-style: chr19-13183927-A-G.
Other names: c.622+4A>G (NM_002501.4, NM_001365982.2); c.598+4A>G (NM_001378404.1, NM_001271044.3); c.670+4A>G (NM_001378405.1); c.481+4A>G (NM_001365983.2); c.646+4A>G (NM_001271043.2); c.619+4A>G (NM_001365984.2, NM_001365985.2).
Identifiers: ClinVar variation 2923310 (VCV002923310.3), dbSNP rs374603733, ClinGen allele CA9237012.

ClinVar aggregate classification (germline): Uncertain significance (1 of 4 stars; one submission).

Conditions:
Marshall-Smith syndrome (MRSHSS). Identifiers: Orphanet 561, MedGen C0265211, MONDO:0011244, OMIM 602535.
Malan overgrowth syndrome (MALNS). Also called: MALAN SYNDROME; NFIX-Related Malan Syndrome; Sotos syndrome 2. Identifiers: Orphanet 420179, MedGen C3553660, MONDO:0013885, OMIM 614753.

Allele frequency attached by ClinVar (database versions not stated): gnomAD exomes 0.00001; ExAC 0.00002; TOPMed 0.00005; gnomAD 0.00006; 1000 Genomes Project 30x 0.00016; ESP Exome Variant Server 0.00016; 1000 Genomes Project 0.00020.
gnomAD v4.1: 15 of 1,613,954 alleles (0.00093%); highest among the groups gnomAD compares: African/African-American, 0.0093%; no homozygotes.

Submission:

Labcorp Genetics (formerly Invitae), Labcorp
Classification: Uncertain significance for Malan overgrowth syndrome; Marshall-Smith syndrome. Last evaluated: 2024-07-31. Review status: criteria provided, single submitter. Criteria: Invitae Variant Classification Sherloc (09022015). Collection method: clinical testing. Allele origin: germline.
Comment: This sequence change falls in intron 3 of the NFIX gene. It does not directly change the encoded amino acid sequence of the NFIX protein. It affects a nucleotide within the consensus splice site. This variant is present in population databases (rs374603733, gnomAD 0.03%). This variant has not been reported in the literature in individuals affected with NFIX-related conditions. Variants that disrupt the consensus splice site are a relatively common cause of aberrant splicing (PMID: 17576681, 9536098). Algorithms developed to predict the effect of sequence changes on RNA splicing suggest that this variant is not likely to affect RNA splicing. In summary, the available evidence is currently insufficient to determine the role of this variant in disease. Therefore, it has been classified as a Variant of Uncertain Significance.

Literature cited by the submitters: PubMed 17576681; PubMed 9536098.